The following is an entry in ClinVar:

ClinVar aggregate classification (germline): Uncertain significance (1 of 4 stars; one submission).

Conditions:
Hepatic methionine adenosyltransferase deficiency. Also called: Deficiency of methionine adenosyltransferase; Methionine adenosyltransferase deficiency; MAT I/III DEFICIENCY; Isolated Persistent Hypermethioninemia. Identifiers: Orphanet 168598, MedGen C0268621, MeSH C564683, MONDO:0009607, OMIM 250850.

Submission:

Labcorp Genetics (formerly Invitae), Labcorp
Classification: Uncertain significance for Hepatic methionine adenosyltransferase deficiency. Last evaluated: 2022-03-12. Review status: criteria provided, single submitter. Criteria: Invitae Variant Classification Sherloc (09022015). Collection method: clinical testing. Allele origin: germline.
Comment: In summary, the available evidence is currently insufficient to determine the role of this variant in disease. Therefore, it has been classified as a Variant of Uncertain Significance. Algorithms developed to predict the effect of missense changes on protein structure and function (SIFT, PolyPhen-2, Align-GVGD) all suggest that this variant is likely to be disruptive. This variant has not been reported in the literature in individuals affected with MAT1A-related conditions. This variant is not present in population databases (gnomAD no frequency). This sequence change replaces arginine, which is basic and polar, with lysine, which is basic and polar, at codon 84 of the MAT1A protein (p.Arg84Lys).

NM_000429.3(MAT1A):c.251G>A (p.Arg84Lys)

Gene: MAT1A (methionine adenosyltransferase 1A; minus strand). Cytogenetic location: 10q22.3.
Variant type: single nucleotide variant.
Coding change: c.251G>A on transcript NM_000429.3 (MANE Select); coding-DNA position 251, G replaced by A.
Protein change: p.Arg84Lys; replaces arginine 84 with lysine.
Molecular consequence: missense variant.
Genome position (GRCh38, 1-based): chr10:80,283,957, C>T on the plus strand (G>A on the coding strand, the complement: MAT1A is on the minus strand). VCF-style: chr10-80283957-C-T. GRCh37 (hg19) VCF-style: chr10-82043713-C-T.
Other names: short protein forms R84K.
Identifiers: ClinVar variation 1519520 (VCV001519520.8), dbSNP rs2132708502, ClinGen allele CA377363489.